The following is an entry in ClinVar:

NM_014423.4(AFF4):c.1812C>T (p.Ala604=)

Gene: AFF4 (ALF transcription elongation factor 4; minus strand). Cytogenetic location: 5q31.1.
Variant type: single nucleotide variant.
Coding change: c.1812C>T on transcript NM_014423.4 (MANE Select); coding-DNA position 1812, C replaced by T.
Protein change: p.Ala604=; no amino-acid change (alanine 604 retained).
Molecular consequence: synonymous variant.
Genome position (GRCh38, 1-based): chr5:132,896,818, G>A on the plus strand (C>T on the coding strand, the complement: AFF4 is on the minus strand). VCF-style: chr5-132896818-G-A. GRCh37 (hg19) VCF-style: chr5-132232510-G-A.
Identifiers: ClinVar variation 3348320 (VCV003348320.1).

ClinVar aggregate classification (germline): Likely benign (0 of 4 stars; one submission).

Conditions:
AFF4-related disorder. Also called: AFF4-related condition.

gnomAD v4.1: 1 of 1,613,898 alleles (0.000062%); highest among the groups gnomAD compares: African/African-American, 0.0013%; no homozygotes.

Submission:

PreventionGenetics, part of Exact Sciences
Classification: Likely benign for AFF4-related condition. Last evaluated: 2024-02-08. Review status: no assertion criteria provided. Collection method: clinical testing. Allele origin: germline.
Comment: This variant is classified as likely benign based on ACMG/AMP sequence variant interpretation guidelines (Richards et al. 2015 PMID: 25741868, with internal and published modifications).